The following is an entry in ClinVar:

ClinVar aggregate classification (germline): Uncertain significance (1 of 4 stars; one submission).

Conditions:
Charcot-Marie-Tooth disease type 2. Also called: Charcot-Marie-Tooth type 2. Identifiers: Orphanet 64746, MedGen C0270914, MONDO:0018993.

gnomAD v4.1: 1 of 1,614,088 alleles (0.000062%); highest among the groups gnomAD compares: Non-Finnish European, 0.000085%; no homozygotes.

Submission:

Labcorp Genetics (formerly Invitae), Labcorp
Classification: Uncertain significance for Charcot-Marie-Tooth disease type 2. Last evaluated: 2024-08-31. Review status: criteria provided, single submitter. Criteria: Invitae Variant Classification Sherloc (09022015). Collection method: clinical testing. Allele origin: germline.
Comment: This sequence change creates a premature translational stop signal (p.Arg474*) in the GARS gene. It is expected to result in an absent or disrupted protein product. However, the current clinical and genetic evidence is not sufficient to establish whether loss-of-function variants in GARS cause disease. This variant is not present in population databases (gnomAD no frequency). This variant has not been reported in the literature in individuals affected with GARS-related conditions. Algorithms developed to predict the effect of sequence changes on RNA splicing suggest that this variant may disrupt the consensus splice site. In summary, the available evidence is currently insufficient to determine the role of this variant in disease. Therefore, it has been classified as a Variant of Uncertain Significance.

NM_002047.4(GARS1):c.1420C>T (p.Arg474Ter)

Gene: GARS1 (glycyl-tRNA synthetase 1; plus strand). Cytogenetic location: 7p14.3.
Variant type: single nucleotide variant.
Coding change: c.1420C>T on transcript NM_002047.4 (MANE Select); coding-DNA position 1420, C replaced by T.
Protein change: p.Arg474Ter; replaces arginine 474 with a stop codon.
Molecular consequence: nonsense.
Genome position (GRCh38, 1-based): chr7:30,621,453, C>T. VCF-style: chr7-30621453-C-T. GRCh37 (hg19) VCF-style: chr7-30661069-C-T.
Other names: c.1258C>T, p.Arg420Ter (NM_001316772.1); short protein forms R420*, R474*.
Identifiers: ClinVar variation 3705214 (VCV003705214.2).